The following is an entry in ClinVar:

ClinVar aggregate classification (germline): Pathogenic (1 of 4 stars; one submission).

Conditions:
Leber congenital amaurosis 9 (LCA9). Also called: LCA 9; Amaurosis congenita of Leber, type 9; LCA9 Leber Congenital Amaurosis. Identifiers: Orphanet 65, MedGen C1837873, MONDO:0012056, OMIM 608553.

Submission:

Labcorp Genetics (formerly Invitae), Labcorp
Classification: Pathogenic for Leber congenital amaurosis 9. Last evaluated: 2022-04-28. Review status: criteria provided, single submitter. Criteria: Invitae Variant Classification Sherloc (09022015). Collection method: clinical testing. Allele origin: germline.
Comment: This sequence change creates a premature translational stop signal (p.Trp216*) in the NMNAT1 gene. While this is not anticipated to result in nonsense mediated decay, it is expected to disrupt the last 64 amino acid(s) of the NMNAT1 protein. This variant is not present in population databases (gnomAD no frequency). This variant has not been reported in the literature in individuals affected with NMNAT1-related conditions. This variant disrupts a region of the NMNAT1 protein in which other variant(s) (p.Glu257Lys) have been determined to be pathogenic (PMID: 22842227, 22842229, 22842230). This suggests that this is a clinically significant region of the protein, and that variants that disrupt it are likely to be disease-causing. For these reasons, this variant has been classified as Pathogenic.

Literature cited by the submitters: PubMed 22842227; PubMed 22842229; PubMed 22842230.

NM_022787.4(NMNAT1):c.648G>A (p.Trp216Ter)

Gene: NMNAT1 (nicotinamide nucleotide adenylyltransferase 1; plus strand). Cytogenetic location: 1p36.22.
Variant type: single nucleotide variant.
Coding change: c.648G>A on transcript NM_022787.4 (MANE Select); coding-DNA position 648, G replaced by A.
Protein change: p.Trp216Ter; replaces tryptophan 216 with a stop codon.
Molecular consequence: nonsense.
Genome position (GRCh38, 1-based): chr1:9,982,509, G>A. VCF-style: chr1-9982509-G-A. GRCh37 (hg19) VCF-style: chr1-10042567-G-A.
Other names: c.648G>A, p.Trp216Ter (NM_001297778.1); short protein forms W216*.
Identifiers: ClinVar variation 2131219 (VCV002131219.4), dbSNP rs1025005830, ClinGen allele CA18240259.